The following is an entry in ClinVar:

NM_004415.4(DSP):c.3990C>G (p.Leu1330=)

Gene: DSP (desmoplakin; plus strand). Cytogenetic location: 6p24.3.
Variant type: single nucleotide variant.
Coding change: c.3990C>G on transcript NM_004415.4 (MANE Select); coding-DNA position 3990, C replaced by G.
Protein change: p.Leu1330=; no amino-acid change (leucine 1330 retained).
Molecular consequence: synonymous variant. On other transcripts: intron variant (1).
Genome position (GRCh38, 1-based): chr6:7,580,180, C>G. VCF-style: chr6-7580180-C-G. GRCh37 (hg19) VCF-style: chr6-7580413-C-G.
Other names: c.3990C>G, p.Leu1330= (NM_001319034.2); c.3582+408C>G (NM_001008844.3).
Identifiers: ClinVar variation 2934363 (VCV002934363.5), dbSNP rs1759377953, ClinGen allele CA448714534.

ClinVar aggregate classification (germline): Likely benign. Review status: criteria provided, multiple submitters, no conflicts (2 of 4 stars). 3 submissions from 3 submitters: Likely benign (3). Last evaluated 2025-03-05.

Conditions:
Arrhythmogenic cardiomyopathy with wooly hair and keratoderma. Also called: Arrhythmogenic cardiomyopathy with woolly hair and keratoderma; PALMOPLANTAR KERATODERMA WITH LEFT VENTRICULAR CARDIOMYOPATHY AND WOOLLY HAIR; Carvajal syndrome; Dilated cardiomyopathy with woolly hair and keratoderma. Identifiers: Orphanet 65282, MedGen C1854063, MONDO:0011581, OMIM 605676.
Arrhythmogenic right ventricular dysplasia 8 (ARVD8). Also called: Arrhythmogenic Right Ventricular Dysplasia/Cardiomyopathy 8; ARRHYTHMOGENIC RIGHT VENTRICULAR DYSPLASIA, FAMILIAL, 8; ARRHYTHMOGENIC RIGHT VENTRICULAR CARDIOMYOPATHY 8. Identifiers: MedGen C1843896, MONDO:0011831, OMIM 607450.
Cardiomyopathy (CMYO). Also called: Cardiomyopathies. Identifiers: Orphanet 167848, MedGen C0878544, MONDO:0004994, HP:0001638. Inheritance: Various modes of inheritance.

Allele frequency attached by ClinVar (database versions not stated): TOPMed below 0.00001.

Submissions (3):

Labcorp Genetics (formerly Invitae), Labcorp
Classification: Likely benign for Arrhythmogenic cardiomyopathy with wooly hair and keratoderma; Arrhythmogenic right ventricular dysplasia 8. Last evaluated: 2025-03-05. Review status: criteria provided, single submitter. Criteria: Invitae Variant Classification Sherloc (09022015). Collection method: clinical testing. Allele origin: germline.

All of Us Research Program, National Institutes of Health
Classification: Likely benign for Arrhythmogenic cardiomyopathy with wooly hair and keratoderma. Last evaluated: 2023-07-10. Review status: criteria provided, single submitter. Criteria: ACMG Guidelines, 2015. Collection method: clinical testing. Allele origin: germline. Inheritance: Autosomal dominant inheritance. Observed: 2 variant alleles, 2 heterozygotes.
Comment: This study involves interpretation of variants in research participants for the purpose of population health screening. Participant phenotype was not available at the time of variant classification. Additional details can be found in publication PMID: 35346344, PMCID: PMC8962531

Color Diagnostics, LLC DBA Color Health
Classification: Likely benign for Cardiomyopathy. Last evaluated: 2022-11-06. Review status: criteria provided, single submitter. Criteria: ACMG Guidelines, 2015. Collection method: clinical testing. Allele origin: germline.